The following is an entry in ClinVar:

ClinVar aggregate classification (germline): Uncertain significance. Review status: criteria provided, multiple submitters, no conflicts (2 of 4 stars). 2 submissions from 2 submitters: Uncertain significance (2). Last evaluated 2021-09-21.

Conditions:
Inborn genetic diseases. Identifiers: MedGen C0950123, MeSH D030342.
Charcot-Marie-Tooth Neuropathy X. Identifiers: MedGen CN118851.

Submissions (2):

Labcorp Genetics (formerly Invitae), Labcorp
Classification: Uncertain significance for Charcot-Marie-Tooth Neuropathy X. Last evaluated: 2021-09-21. Review status: criteria provided, single submitter. Criteria: Invitae Variant Classification Sherloc (09022015). Collection method: clinical testing. Allele origin: germline.
Comment: In summary, the available evidence is currently insufficient to determine the role of this variant in disease. Therefore, it has been classified as a Variant of Uncertain Significance. Algorithms developed to predict the effect of missense changes on protein structure and function are either unavailable or do not agree on the potential impact of this missense change (SIFT: "Deleterious"; PolyPhen-2: "Probably Damaging"; Align-GVGD: "Class C0"). This sequence change replaces phenylalanine with cysteine at codon 31 of the GJB1 protein (p.Phe31Cys). The phenylalanine residue is highly conserved and there is a large physicochemical difference between phenylalanine and cysteine. This variant is not present in population databases (ExAC no frequency). This variant has not been reported in the literature in individuals affected with GJB1-related conditions.

Ambry Genetics
Classification: Uncertain significance for Inborn genetic diseases. Last evaluated: 2021-03-19. Review status: criteria provided, single submitter. Criteria: Ambry Variant Classification Scheme 2023. Collection method: clinical testing. Allele origin: germline.
Comment: The p.F31C variant (also known as c.92T>G), located in coding exon 1 of the GJB1 gene, results from a T to G substitution at nucleotide position 92. The phenylalanine at codon 31 is replaced by cysteine, an amino acid with highly dissimilar properties. This amino acid position is highly conserved in available vertebrate species. In addition, this alteration is predicted to be deleterious by in silico analysis. Since supporting evidence is limited at this time, the clinical significance of this alteration remains unclear.

NM_000166.6(GJB1):c.92T>G (p.Phe31Cys)

Gene: GJB1 (gap junction protein beta 1; plus strand). Cytogenetic location: Xq13.1.
Variant type: single nucleotide variant.
Coding change: c.92T>G on transcript NM_000166.6 (MANE Select); coding-DNA position 92, T replaced by G.
Protein change: p.Phe31Cys; replaces phenylalanine 31 with cysteine.
Molecular consequence: missense variant.
Genome position (GRCh38, 1-based): chrX:71,223,799, T>G. VCF-style: chrX-71223799-T-G. GRCh37 (hg19) VCF-style: chrX-70443649-T-G.
Other names: c.92T>G, p.Phe31Cys (NM_001097642.3); short protein forms F31C.
Identifiers: ClinVar variation 1494784 (VCV001494784.8), dbSNP rs2147945057, ClinGen allele CA413500874.
Genomic context (GRCh38, chrX:71,223,799, plus strand): 5'-GTGGCGTGAACCGGCATTCTACTGCCATTGGCCGAGTATGGCTCTCGGTCATCTTCATCT[T>G]CAGAATCATGGTGCTGGTGGTGGCTGCAGAGAGTGTGTGGGGTGATGAGAAATCTTCCTT-3'
Protein context (NP_000157.1, residues 21-41): GRVWLSVIFI[Phe31Cys]RIMVLVVAAE